The following is an entry in ClinVar:

NM_005428.4(VAV1):c.2483G>A (p.Arg828Gln)

Gene: VAV1 (vav guanine nucleotide exchange factor 1; plus strand). Cytogenetic location: 19p13.3.
Variant type: single nucleotide variant.
Coding change: c.2483G>A on transcript NM_005428.4 (MANE Select); coding-DNA position 2483, G replaced by A.
Protein change: p.Arg828Gln; replaces arginine 828 with glutamine.
Molecular consequence: missense variant.
Genome position (GRCh38, 1-based): chr19:6,854,097, G>A. VCF-style: chr19-6854097-G-A. GRCh37 (hg19) VCF-style: chr19-6854108-G-A.
Other names: c.2417G>A, p.Arg806Gln (NM_001258206.2); c.2387G>A, p.Arg796Gln (NM_001258207.2); c.2483G>A (NM_005428.2); short protein forms R828Q, R806Q, R796Q.
Identifiers: ClinVar variation 2722775 (VCV002722775.4), dbSNP rs199788005, ClinGen allele CA9132964.

ClinVar aggregate classification (germline): Uncertain significance. Review status: criteria provided, multiple submitters, no conflicts (2 of 4 stars). 2 submissions from 2 submitters: Uncertain significance (2). Last evaluated 2025-08-25.

Allele frequency attached by ClinVar (database versions not stated): ExAC 0.00007; gnomAD 0.00003; TOPMed 0.00003.
gnomAD v4.1: 47 of 1,612,474 alleles (0.0029%); highest among the groups gnomAD compares: Admixed American, 0.028%; no homozygotes.

Submissions (2):

Ambry Genetics
Classification: Uncertain significance. Last evaluated: 2025-08-25. Review status: criteria provided, single submitter. Criteria: Ambry Variant Classification Scheme 2023. Collection method: clinical testing. Allele origin: germline.

Labcorp Genetics (formerly Invitae), Labcorp
Classification: Uncertain significance. Last evaluated: 2025-07-02. Review status: criteria provided, single submitter. Criteria: Invitae Variant Classification Sherloc (09022015). Collection method: clinical testing. Allele origin: germline.
Comment: This sequence change replaces arginine, which is basic and polar, with glutamine, which is neutral and polar, at codon 828 of the VAV1 protein (p.Arg828Gln). This variant is present in population databases (rs199788005, gnomAD 0.04%). This variant has not been reported in the literature in individuals affected with VAV1-related conditions. ClinVar contains an entry for this variant (Variation ID: 2722775). An algorithm developed to predict the effect of missense changes on protein structure and function (PolyPhen-2) suggests that this variant is likely to be tolerated. In summary, the available evidence is currently insufficient to determine the role of this variant in disease. Therefore, it has been classified as a Variant of Uncertain Significance.